The following is an entry in ClinVar:

ClinVar aggregate classification (germline): Likely benign. Review status: criteria provided, multiple submitters, no conflicts (2 of 4 stars). 2 submissions from 2 submitters: Likely benign (2). Last evaluated 2023-04-03.

Conditions:
Cardiovascular phenotype. Identifiers: MedGen CN230736.
Arrhythmogenic cardiomyopathy with wooly hair and keratoderma. Also called: PALMOPLANTAR KERATODERMA WITH LEFT VENTRICULAR CARDIOMYOPATHY AND WOOLLY HAIR; Carvajal syndrome; Dilated cardiomyopathy with woolly hair and keratoderma; Arrhythmogenic cardiomyopathy with woolly hair and keratoderma. Identifiers: Orphanet 65282, MedGen C1854063, MONDO:0011581, OMIM 605676.

Allele frequency attached by ClinVar (database versions not stated): gnomAD exomes below 0.00001; TOPMed below 0.00001.
gnomAD v4.1: 1 of 1,614,218 alleles (0.000062%); highest among the groups gnomAD compares: Non-Finnish European, 0.000085%; no homozygotes.

Submissions (2):

All of Us Research Program, National Institutes of Health
Classification: Likely benign for Arrhythmogenic cardiomyopathy with wooly hair and keratoderma. Last evaluated: 2023-04-03. Review status: criteria provided, single submitter. Criteria: ACMG Guidelines, 2015. Collection method: clinical testing. Allele origin: germline. Inheritance: Autosomal dominant inheritance. Observed: 1 variant allele, 1 heterozygote.
Comment: This study involves interpretation of variants in research participants for the purpose of population health screening. Participant phenotype was not available at the time of variant classification. Additional details can be found in publication PMID: 35346344, PMCID: PMC8962531

Ambry Genetics
Classification: Likely benign for Cardiovascular phenotype. Last evaluated: 2021-10-24. Review status: criteria provided, single submitter. Criteria: Ambry Variant Classification Scheme 2023. Collection method: clinical testing. Allele origin: germline.

NM_004415.4(DSP):c.6204T>C (p.Thr2068=)

Gene: DSP (desmoplakin; plus strand). Cytogenetic location: 6p24.3.
Variant type: single nucleotide variant.
Coding change: c.6204T>C on transcript NM_004415.4 (MANE Select); coding-DNA position 6204, T replaced by C.
Protein change: p.Thr2068=; no amino-acid change (threonine 2068 retained).
Molecular consequence: synonymous variant.
Genome position (GRCh38, 1-based): chr6:7,583,466, T>C. VCF-style: chr6-7583466-T-C. GRCh37 (hg19) VCF-style: chr6-7583699-T-C.
Other names: c.4407T>C, p.Thr1469= (NM_001008844.3); c.4875T>C, p.Thr1625= (NM_001319034.2).
Identifiers: ClinVar variation 1752190 (VCV001752190.3), dbSNP rs1250614798, ClinGen allele CA448715978.